The following is an entry in ClinVar:

NM_000530.8(MPZ):c.140C>T (p.Thr47Ile)

Gene: MPZ (myelin protein zero; minus strand). Cytogenetic location: 1q23.3.
Variant type: single nucleotide variant.
Coding change: c.140C>T on transcript NM_000530.8 (MANE Select); coding-DNA position 140, C replaced by T.
Protein change: p.Thr47Ile; replaces threonine 47 with isoleucine.
Molecular consequence: missense variant.
Genome position (GRCh38, 1-based): chr1:161,307,352, G>A on the plus strand (C>T on the coding strand, the complement: MPZ is on the minus strand). VCF-style: chr1-161307352-G-A. GRCh37 (hg19) VCF-style: chr1-161277142-G-A.
Other names: c.140C>T, p.Thr47Ile (NM_001315491.2); short protein forms T47I.
Identifiers: ClinVar variation 2107377 (VCV002107377.4), dbSNP rs2526243767, ClinGen allele CA343351264.

ClinVar aggregate classification (germline): Uncertain significance (1 of 4 stars; one submission).

Conditions:
Charcot-Marie-Tooth disease, type I (CMT1). Also called: Charcot-Marie-Tooth, Type 1; Charcot-Marie-Tooth disease type 1. Identifiers: Orphanet 65753, MedGen C0751036, MONDO:0019011.

Submission:

Labcorp Genetics (formerly Invitae), Labcorp
Classification: Uncertain significance for Charcot-Marie-Tooth disease, type I. Last evaluated: 2022-03-06. Review status: criteria provided, single submitter. Criteria: Invitae Variant Classification Sherloc (09022015). Collection method: clinical testing. Allele origin: germline.
Comment: This sequence change replaces threonine, which is neutral and polar, with isoleucine, which is neutral and non-polar, at codon 47 of the MPZ protein (p.Thr47Ile). This variant is not present in population databases (gnomAD no frequency). This variant has not been reported in the literature in individuals affected with MPZ-related conditions. Algorithms developed to predict the effect of missense changes on protein structure and function are either unavailable or do not agree on the potential impact of this missense change (SIFT: "Tolerated"; PolyPhen-2: "Probably Damaging"; Align-GVGD: "Class C15"). In summary, the available evidence is currently insufficient to determine the role of this variant in disease. Therefore, it has been classified as a Variant of Uncertain Significance.